The following is an entry in ClinVar:

NM_001127208.3(TET2):c.2623A>C (p.Lys875Gln)

Genes: TET2 (tet methylcytosine dioxygenase 2; plus strand), TET2-AS1 (TET2 antisense RNA 1; minus strand). Cytogenetic location: 4q24.
Variant type: single nucleotide variant.
Coding change: c.2623A>C on transcript NM_001127208.3 (MANE Select); coding-DNA position 2623, A replaced by C.
Protein change: p.Lys875Gln; replaces lysine 875 with glutamine.
Molecular consequence: missense variant.
Genome position (GRCh38, 1-based): chr4:105,236,565, A>C. VCF-style: chr4-105236565-A-C. GRCh37 (hg19) VCF-style: chr4-106157722-A-C.
Other names: c.2623A>C, p.Lys875Gln (NM_017628.4); short protein forms K875Q.
Identifiers: ClinVar variation 4865587 (VCV004865587.1).

ClinVar aggregate classification (germline): Uncertain significance (1 of 4 stars; one submission).

Submission:

Ambry Genetics
Classification: Uncertain significance. Last evaluated: 2026-05-27. Review status: criteria provided, single submitter. Criteria: Ambry Variant Classification Scheme 2023. Collection method: clinical testing. Allele origin: germline.
Comment: The p.K875Q variant (also known as c.2623A>C), located in coding exon 1 of the TET2 gene, results from an A to C substitution at nucleotide position 2623. The lysine at codon 875 is replaced by glutamine, an amino acid with similar properties. This amino acid position is conserved. In addition, this alteration is predicted to be tolerated by in silico analysis. Based on the available evidence, the clinical significance of this variant remains unclear.